The following is an entry in ClinVar:

ClinVar aggregate classification (germline): Benign/Likely benign. Review status: criteria provided, multiple submitters, no conflicts (2 of 4 stars). 7 submissions from 7 submitters: Benign (3); Likely benign (2). 2 of the submissions do not count toward it. Last evaluated 2026-08-01.

Allele frequency attached by ClinVar (database versions not stated): 1000 Genomes Project 0.00100; 1000 Genomes Project 30x 0.00109; gnomAD 0.00146 and 0.00148; ExAC 0.00147; TOPMed 0.00147; gnomAD exomes 0.00151 and 0.00230; ESP Exome Variant Server 0.00212.
gnomAD v4.1: 3,561 of 1,613,990 alleles (0.22%); highest among the groups gnomAD compares: Non-Finnish European, 0.27%; 10 homozygotes.

Submissions (7):

CeGaT Center for Human Genetics Tuebingen
Classification: Likely benign. Last evaluated: 2026-08-01. Review status: criteria provided, single submitter. Criteria: CeGaT Center For Human Genetics Tuebingen Variant Classification Criteria Version 2. Collection method: clinical testing. Allele origin: germline. Affected: yes. Observed: 21 variant alleles.
Comment: MYT1L: BP4, BS1

Blueprint Genetics
Classification: Likely benign. Last evaluated: 2024-11-11. Review status: criteria provided, single submitter. Criteria: ACMG Guidelines, 2015. Collection method: clinical testing. Allele origin: germline.

Labcorp Genetics (formerly Invitae), Labcorp
Classification: Benign. Last evaluated: 2019-12-31. Review status: criteria provided, single submitter. Criteria: Invitae Variant Classification Sherloc (09022015). Collection method: clinical testing. Allele origin: germline.

GeneDx
Classification: Benign. Last evaluated: 2019-06-03. Review status: criteria provided, single submitter. Criteria: GeneDx Variant Classification Process June 2021. Collection method: clinical testing. Allele origin: germline. Affected: yes.

Breakthrough Genomics
Classification: Benign. Review status: criteria provided, single submitter. Criteria: ACMG Guidelines, 2015. Collection method: not provided. Allele origin: germline. Inheritance: Autosomal dominant inheritance. Affected: yes.

Clinical Genetics DNA and cytogenetics Diagnostics Lab, Erasmus MC, Erasmus Medical Center
Classification: Likely benign. Review status: no assertion criteria provided. Collection method: clinical testing. Allele origin: germline. Affected: yes. Study: VKGL Data-share Consensus. Not counted in ClinVar's aggregate classification.

Diagnostic Laboratory, Department of Genetics, University Medical Center Groningen
Classification: Likely benign. Review status: no assertion criteria provided. Collection method: clinical testing. Allele origin: germline. Affected: yes. Study: VKGL Data-share Consensus. Not counted in ClinVar's aggregate classification.

NM_001303052.2(MYT1L):c.2532G>A (p.Leu844=)

Gene: MYT1L (myelin transcription factor 1 like; minus strand). Cytogenetic location: 2p25.3.
Variant type: single nucleotide variant.
Coding change: c.2532G>A on transcript NM_001303052.2 (MANE Select); coding-DNA position 2532, G replaced by A.
Protein change: p.Leu844=; no amino-acid change (leucine 844 retained).
Molecular consequence: synonymous variant.
Genome position (GRCh38, 1-based): chr2:1,887,598, C>T on the plus strand (G>A on the coding strand, the complement: MYT1L is on the minus strand). VCF-style: chr2-1887598-C-T. GRCh37 (hg19) VCF-style: chr2-1891370-C-T.
Other names: c.2532G>A, p.Leu844= (NM_001329844.2, NM_001329845.1, NM_001329851.3); c.2526G>A, p.Leu842= (NM_001329846.3, NM_001329847.2, NM_001329848.1 and 3 more transcripts).
Identifiers: ClinVar variation 783323 (VCV000783323.42), dbSNP rs191820268, ClinGen allele CA1514006.